The following is an entry in ClinVar:

ClinVar aggregate classification (germline): Uncertain significance (1 of 4 stars; one submission).

Conditions:
Hereditary cancer-predisposing syndrome. Also called: Neoplastic Syndromes, Hereditary; Tumor predisposition; Hereditary Cancer Syndrome; Hereditary neoplastic syndrome. Identifiers: Orphanet 140162, MedGen C0027672, MeSH D009386, MONDO:0015356.

Submission:

Ambry Genetics
Classification: Uncertain significance for Hereditary cancer-predisposing syndrome. Last evaluated: 2024-09-26. Review status: criteria provided, single submitter. Criteria: Ambry Variant Classification Scheme 2023. Collection method: clinical testing. Allele origin: germline.
Comment: The p.G2741E variant (also known as c.8222G>A), located in coding exon 15 of the APC gene, results from a G to A substitution at nucleotide position 8222. The glycine at codon 2741 is replaced by glutamic acid, an amino acid with similar properties. This amino acid position is not well conserved in available vertebrate species. In addition, in silico predictors for this gene do not accurately predict pathogenicity. Missense alterations in APC are not a common cause of disease (Spier I et al. Genet Med. 2024 Feb;26(2):100992). Based on the available evidence, the clinical significance of this variant remains unclear.

NM_000038.6(APC):c.8222G>A (p.Gly2741Glu)

Gene: APC (APC regulator of Wnt signaling pathway; plus strand). Cytogenetic location: 5q22.2.
Variant type: single nucleotide variant.
Coding change: c.8222G>A on transcript NM_000038.6 (MANE Select); coding-DNA position 8222, G replaced by A.
Protein change: p.Gly2741Glu; replaces glycine 2741 with glutamic acid.
Molecular consequence: missense variant. On other transcripts: non-coding transcript variant (2).
Genome position (GRCh38, 1-based): chr5:112,843,816, G>A. VCF-style: chr5-112843816-G-A. GRCh37 (hg19) VCF-style: chr5-112179513-G-A.
Other names: c.8222G>A, p.Gly2741Glu (NM_001127510.3, NM_001354895.2, NM_001407450.1); c.8168G>A, p.Gly2723Glu (NM_001127511.3); c.8147G>A, p.Gly2716Glu (NM_001354898.2); c.8138G>A, p.Gly2713Glu (NM_001354899.2); c.8276G>A, p.Gly2759Glu (NM_001354896.2, NM_001407447.1, NM_001407448.1 and 1 more transcripts); c.8252G>A, p.Gly2751Glu (NM_001354897.2); c.8099G>A, p.Gly2700Glu (NM_001354900.2); c.8045G>A, p.Gly2682Glu (NM_001354901.2, NM_001407453.1); and 11 more; short protein forms G2357E, G2682E, G2713E, G2769E, G2581E, G2640E, G2700E, G2731E.
Identifiers: ClinVar variation 3410977 (VCV003410977.1).